The following is an entry in ClinVar:

NM_020771.4(HACE1):c.665A>C (p.Lys222Thr)

Gene: HACE1 (HECT domain and ankyrin repeat containing E3 ubiquitin protein ligase 1; minus strand). Cytogenetic location: 6q16.3.
Variant type: single nucleotide variant.
Coding change: c.665A>C on transcript NM_020771.4 (MANE Select); coding-DNA position 665, A replaced by C.
Protein change: p.Lys222Thr; replaces lysine 222 with threonine.
Molecular consequence: missense variant. On other transcripts: 5 prime UTR variant (1), non-coding transcript variant (7).
Genome position (GRCh38, 1-based): chr6:104,796,978, T>G on the plus strand (A>C on the coding strand, the complement: HACE1 is on the minus strand). VCF-style: chr6-104796978-T-G. GRCh37 (hg19) VCF-style: chr6-105244853-T-G.
Other names: c.533A>C, p.Lys178Thr (NM_001321080.2); c.563A>C, p.Lys188Thr (NM_001321083.2); c.161A>C, p.Lys54Thr (NM_001321084.2, NM_001350557.2, NM_001350558.2); c.431A>C, p.Lys144Thr (NM_001350554.2); c.374A>C, p.Lys125Thr (NM_001350555.2); c.179A>C, p.Lys60Thr (NM_001350556.2); c.83A>C, p.Lys28Thr (NM_001350559.2); c.-119A>C (NM_001350560.2); short protein forms K125T, K28T, K54T, K188T, K144T, K178T, K222T, K60T.
Identifiers: ClinVar variation 1950253 (VCV001950253.5), dbSNP rs200547628, ClinGen allele CA3940481.
Genomic context (GRCh38, chr6:104,796,978, plus strand): 5'-GAAAAACACACCTGTACACATAAATCCAGAGGAGTTACTCCATTTTTATCTGGCAGATAT[T>G]TGGCTCCTCGTAATAGTAGGATCTGTGCTGTATCTCTCTGACCATGACTGTGTGGAAATA-3'
Protein context (NP_065822.2, residues 212-232): TAQILLLRGA[Lys222Thr]YLPDKNGVTP

ClinVar aggregate classification (germline): Uncertain significance (1 of 4 stars; one submission).

gnomAD v4.1: 3 of 1,605,616 alleles (0.00019%); highest among the groups gnomAD compares: Admixed American, 0.0033%; no homozygotes.

Submission:

Labcorp Genetics (formerly Invitae), Labcorp
Classification: Uncertain significance. Last evaluated: 2024-02-23. Review status: criteria provided, single submitter. Criteria: Invitae Variant Classification Sherloc (09022015). Collection method: clinical testing. Allele origin: germline.
Comment: This sequence change replaces lysine, which is basic and polar, with threonine, which is neutral and polar, at codon 222 of the HACE1 protein (p.Lys222Thr). This variant is present in population databases (rs200547628, gnomAD 0.003%). This variant has not been reported in the literature in individuals affected with HACE1-related conditions. ClinVar contains an entry for this variant (Variation ID: 1950253). Advanced modeling of protein sequence and biophysical properties (such as structural, functional, and spatial information, amino acid conservation, physicochemical variation, residue mobility, and thermodynamic stability) performed at Invitae indicates that this missense variant is not expected to disrupt HACE1 protein function with a negative predictive value of 80%. In summary, the available evidence is currently insufficient to determine the role of this variant in disease. Therefore, it has been classified as a Variant of Uncertain Significance.